The following is an entry in ClinVar:

NM_004319.3(ASTN1):c.2528C>T (p.Ala843Val)

Gene: ASTN1 (astrotactin 1; minus strand). Cytogenetic location: 1q25.2.
Variant type: single nucleotide variant.
Coding change: c.2528C>T on transcript NM_004319.3 (MANE Select); coding-DNA position 2528, C replaced by T.
Protein change: p.Ala843Val; replaces alanine 843 with valine.
Molecular consequence: missense variant.
Genome position (GRCh38, 1-based): chr1:176,934,295, G>A on the plus strand (C>T on the coding strand, the complement: ASTN1 is on the minus strand). VCF-style: chr1-176934295-G-A. GRCh37 (hg19) VCF-style: chr1-176903431-G-A.
Other names: c.2528C>T, p.Ala843Val (NM_001286164.2, NM_207108.3); c.2552C>T, p.Ala851Val (NM_001364856.2); short protein forms A843V, A851V.
Identifiers: ClinVar variation 4992872 (VCV004992872.1).

ClinVar aggregate classification (germline): Uncertain significance (1 of 4 stars; one submission).

Conditions:
ASTN1-related disorder. Also called: ASTN1-related condition.

gnomAD v4.1: 1 of 1,613,838 alleles (0.000062%); highest among the groups gnomAD compares: Non-Finnish European, 0.000085%; no homozygotes.

Submission:

PreventionGenetics, part of Exact Sciences
Classification: Uncertain significance for ASTN1-related condition. Last evaluated: 2025-10-14. Review status: criteria provided, single submitter. Criteria: ACMG Guidelines, 2015. Collection method: clinical testing. Allele origin: germline.
Comment: The ASTN1 c.2552C>T variant is predicted to result in the amino acid substitution p.Ala851Val. To our knowledge, this variant has not been reported in the literature or in a large population database (gnomAD), indicating this variant is rare. At this time, the clinical significance of this variant is uncertain due to the absence of conclusive functional and genetic evidence.